The following is an entry in ClinVar:

NM_001378452.1(ITPR1):c.1600C>A (p.Pro534Thr)

Gene: ITPR1 (inositol 1,4,5-trisphosphate receptor type 1; plus strand). Cytogenetic location: 3p26.1.
Variant type: single nucleotide variant.
Coding change: c.1600C>A on transcript NM_001378452.1 (MANE Select); coding-DNA position 1600, C replaced by A.
Protein change: p.Pro534Thr; replaces proline 534 with threonine.
Molecular consequence: missense variant.
Genome position (GRCh38, 1-based): chr3:4,665,183, C>A. VCF-style: chr3-4665183-C-A. GRCh37 (hg19) VCF-style: chr3-4706867-C-A.
Other names: c.1600C>A, p.Pro534Thr (NM_001099952.4); c.1555C>A, p.Pro519Thr (NM_001168272.2, NM_002222.7); short protein forms P519T, P534T.
Identifiers: ClinVar variation 1028566 (VCV001028566.1), dbSNP rs2093919890, ClinGen allele CA351642006.

ClinVar aggregate classification (germline): Uncertain significance (1 of 4 stars; one submission).

Conditions:
Gillespie syndrome (GLSP). Also called: Aniridia-cerebellar ataxia-intellectual disability syndrome; Aniridia, cerebellar ataxia, and mental deficiency. Identifiers: Orphanet 1065, MedGen C0431401, MONDO:0008795, OMIM 206700.

Submission:

Baylor Genetics
Classification: Uncertain significance for Gillespie syndrome. Last evaluated: 2020-01-14. Review status: criteria provided, single submitter. Criteria: ACMG Guidelines, 2015. Collection method: clinical testing. Allele origin: unknown. Affected: yes.
Comment: This variant was determined to be of uncertain significance according to ACMG Guidelines, 2015 [PMID:25741868].